The following is an entry in ClinVar:

NM_024675.4(PALB2):c.2915T>C (p.Leu972Pro)

Gene: PALB2 (partner and localizer of BRCA2; minus strand). Cytogenetic location: 16p12.2.
Variant type: single nucleotide variant.
Coding change: c.2915T>C on transcript NM_024675.4 (MANE Select); coding-DNA position 2915, T replaced by C.
Protein change: p.Leu972Pro; replaces leucine 972 with proline.
Molecular consequence: missense variant.
Genome position (GRCh38, 1-based): chr16:23,623,050, A>G on the plus strand (T>C on the coding strand, the complement: PALB2 is on the minus strand). VCF-style: chr16-23623050-A-G. GRCh37 (hg19) VCF-style: chr16-23634371-A-G.
Other names: short protein forms L972P.
Identifiers: ClinVar variation 421267 (VCV000421267.15), dbSNP rs1064795021, ClinGen allele CA16620121.

ClinVar aggregate classification (germline): Uncertain significance. Review status: criteria provided, multiple submitters, no conflicts (2 of 4 stars). 3 submissions from 3 submitters: Uncertain significance (3). Last evaluated 2025-11-27.

Conditions:
Hereditary cancer-predisposing syndrome. Also called: Hereditary neoplastic syndrome; Hereditary Cancer Syndrome; Neoplastic Syndromes, Hereditary; Tumor predisposition. Identifiers: Orphanet 140162, MedGen C0027672, MeSH D009386, MONDO:0015356.
Fanconi anemia complementation group N. Also called: PALB2-Related Fanconi Anemia. Identifiers: Orphanet 84, MedGen C1835817, MONDO:0012565, OMIM 610832. Disease mechanism: loss of function.
Familial cancer of breast. Also called: hereditary breast carcinoma; Hereditary breast cancer; BREAST CANCER, FAMILIAL. Identifiers: Orphanet 227535, MedGen C0346153, MONDO:0016419, OMIM 114480. Disease mechanism: loss of function.

Submissions (3):

Labcorp Genetics (formerly Invitae), Labcorp
Classification: Uncertain significance for Familial cancer of breast. Last evaluated: 2025-11-27. Review status: criteria provided, single submitter. Criteria: Invitae Variant Classification Sherloc (09022015). Collection method: clinical testing. Allele origin: germline.
Comment: This sequence change replaces leucine, which is neutral and non-polar, with proline, which is neutral and non-polar, at codon 972 of the PALB2 protein (p.Leu972Pro). This variant is not present in population databases (gnomAD no frequency). This variant has not been reported in the literature in individuals affected with PALB2-related conditions. ClinVar contains an entry for this variant (Variation ID: 421267). Invitae Evidence Modeling of protein sequence and biophysical properties (such as structural, functional, and spatial information, amino acid conservation, physicochemical variation, residue mobility, and thermodynamic stability) indicates that this missense variant is expected to disrupt PALB2 protein function with a positive predictive value of 80%. In summary, the available evidence is currently insufficient to determine the role of this variant in disease. Therefore, it has been classified as a Variant of Uncertain Significance.

Ambry Genetics
Classification: Uncertain significance for Hereditary cancer-predisposing syndrome. Last evaluated: 2024-08-17. Review status: criteria provided, single submitter. Criteria: Ambry Variant Classification Scheme 2023. Collection method: clinical testing. Allele origin: germline.
Comment: The p.L972P variant (also known as c.2915T>C), located in coding exon 9 of the PALB2 gene, results from a T to C substitution at nucleotide position 2915. The leucine at codon 972 is replaced by proline, an amino acid with similar properties. This amino acid position is highly conserved in available vertebrate species. In addition, the in silico prediction for this alteration is inconclusive. Since supporting evidence is limited at this time, the clinical significance of this alteration remains unclear.

GeneDx
Classification: Uncertain significance. Last evaluated: 2016-11-25. Review status: criteria provided, single submitter. Criteria: GeneDx Variant Classification (06012015). Collection method: clinical testing. Allele origin: germline. Affected: yes.
Comment: This variant is denoted PALB2 c.2915T>C at the cDNA level, p.Leu972Pro (L972P) at the protein level, and results in the change of a Leucine to a Proline (CTG>CCG). This variant has not, to our knowledge, been published in the literature as pathogenic or benign. PALB2 Leu972Pro was not observed in approximately 6,500 individuals of European and African American ancestry in the NHLBI Exome Sequencing Project, suggesting it is not a common benign variant in these populations. Since Leucine and Proline differ in some properties, this is considered a semi-conservative amino acid substitution. PALB2 Leu972Pro occurs at a position that is conserved through mammals and is located in the 3rd WD repeat, a region of interaction with RAD51, BRCA2, and POLH, and a region required for POLH DNA synthesis stimulation (UniProt). In silico analyses predict that this variant is probably damaging to protein structure and function. Based on currently available evidence, it is unclear whether PALB2 Leu972Pro is pathogenic or benign. We consider it to be a variant of uncertain significance.